The following is an entry in ClinVar:

NM_006736.6(DNAJB2):c.622G>A (p.Val208Ile)

Gene: DNAJB2 (DnaJ heat shock protein family (Hsp40) member B2; plus strand). Cytogenetic location: 2q35.
Variant type: single nucleotide variant.
Coding change: c.622G>A on transcript NM_006736.6 (MANE Select); coding-DNA position 622, G replaced by A.
Protein change: p.Val208Ile; replaces valine 208 with isoleucine.
Molecular consequence: missense variant.
Genome position (GRCh38, 1-based): chr2:219,284,634, G>A. VCF-style: chr2-219284634-G-A. GRCh37 (hg19) VCF-style: chr2-220149356-G-A.
Other names: c.622G>A, p.Val208Ile (NM_001039550.2); c.622G>A (NM_001039550.1); short protein forms V208I.
Identifiers: ClinVar variation 1447614 (VCV001447614.7), dbSNP rs752078357, ClinGen allele CA2123067.
Genomic context (GRCh38, chr2:219,284,634, plus strand): 5'-CCTGGCAGTAATACCCCTGGCTCAGGTTGGGGCCTCATGGTGGCTGTGACTCTTGCAGGT[G>A]TCCCAGATGACCTGGCACTGGGCTTGGAGCTGAGCCGTCGCGAGCAGCAGCCGTCAGTCA-3'
Protein context (NP_006727.2, residues 198-218): GQLKSVTING[Val208Ile]PDDLALGLEL

ClinVar aggregate classification (germline): Conflicting classifications of pathogenicity. Review status: criteria provided, conflicting classifications (1 of 4 stars). 2 submissions from 2 submitters: Uncertain significance (1); Likely benign (1). Last evaluated 2025-03-14.

Conditions:
Inborn genetic diseases. Identifiers: MedGen C0950123, MeSH D030342.
Neuronopathy, distal hereditary motor, autosomal recessive 5. Also called: Spinal muscular atrophy, distal, autosomal recessive, 5; NEUROPATHY, DISTAL HEREDITARY MOTOR, AUTOSOMAL RECESSIVE 5; Young adult-onset distal hereditary motor neuropathy. Identifiers: Orphanet 314485, Orphanet 443950, MedGen C4749918, MONDO:0013947, OMIM 614881.

Allele frequency attached by ClinVar (database versions not stated): ExAC 0.00005; gnomAD exomes 0.00001 and 0.00007; gnomAD 0.00001; TOPMed 0.00001.
gnomAD v4.1: 23 of 1,582,048 alleles (0.0015%); highest among the groups gnomAD compares: East Asian, 0.047%; no homozygotes.

Submissions (2):

Ambry Genetics
Classification: Likely benign for Inborn genetic diseases. Last evaluated: 2025-03-14. Review status: criteria provided, single submitter. Criteria: Ambry Variant Classification Scheme 2023. Collection method: clinical testing. Allele origin: germline.

Labcorp Genetics (formerly Invitae), Labcorp
Classification: Uncertain significance for Neuronopathy, distal hereditary motor, autosomal recessive 5. Last evaluated: 2021-04-14. Review status: criteria provided, single submitter. Criteria: Invitae Variant Classification Sherloc (09022015). Collection method: clinical testing. Allele origin: germline.
Comment: In summary, the available evidence is currently insufficient to determine the role of this variant in disease. Therefore, it has been classified as a Variant of Uncertain Significance. Algorithms developed to predict the effect of missense changes on protein structure and function output the following: SIFT: "Tolerated"; PolyPhen-2: "Benign"; Align-GVGD: "Class C0". The isoleucine amino acid residue is found in multiple mammalian species, suggesting that this missense change does not adversely affect protein function. These predictions have not been confirmed by published functional studies and their clinical significance is uncertain. This variant has not been reported in the literature in individuals with DNAJB2-related conditions. This variant is present in population databases (rs752078357, ExAC 0.07%). This sequence change replaces valine with isoleucine at codon 208 of the DNAJB2 protein (p.Val208Ile). The valine residue is moderately conserved and there is a small physicochemical difference between valine and isoleucine.